The following is an entry in ClinVar:

NM_002907.4(RECQL):c.1237G>C (p.Asp413His)

Gene: RECQL (RecQ like helicase; minus strand). Cytogenetic location: 12p12.1.
Variant type: single nucleotide variant.
Coding change: c.1237G>C on transcript NM_002907.4 (MANE Select); coding-DNA position 1237, G replaced by C.
Protein change: p.Asp413His; replaces aspartic acid 413 with histidine.
Molecular consequence: missense variant.
Genome position (GRCh38, 1-based): chr12:21,474,959, C>G on the plus strand (G>C on the coding strand, the complement: RECQL is on the minus strand). VCF-style: chr12-21474959-C-G. GRCh37 (hg19) VCF-style: chr12-21627893-C-G.
Other names: c.1237G>C, p.Asp413His (NM_032941.3); short protein forms D413H.
Identifiers: ClinVar variation 1027189 (VCV001027189.9), dbSNP rs556850507, ClinGen allele CA6478811.
Genomic context (GRCh38, chr12:21,474,959, plus strand): 5'-CCATCACCACCATTGAACTTATTCTGAATATATCTCCAAAGCCGTAGTACAAAATACAGT[C>G]TGCTTTCATGTCATCTCGACCTGTGGTGTGAGAAACCTTGAGATTGCAGAATTACATTTA-3'
Protein context (NP_002898.2, residues 403-423): GRAGRDDMKA[Asp413His]CILYYGFGDI

ClinVar aggregate classification (germline): Uncertain significance. Review status: criteria provided, multiple submitters, no conflicts (2 of 4 stars). 2 submissions from 2 submitters: Uncertain significance (2). Last evaluated 2025-08-22.

Allele frequency attached by ClinVar (database versions not stated): gnomAD below 0.00001 and 0.00002; gnomAD exomes 0.00005; ExAC 0.00007; 1000 Genomes Project 30x 0.00031; 1000 Genomes Project 0.00040.
gnomAD v4.1: 38 of 1,612,812 alleles (0.0024%); highest among the groups gnomAD compares: South Asian, 0.04%; no homozygotes.

Submissions (2):

Labcorp Genetics (formerly Invitae), Labcorp
Classification: Uncertain significance. Last evaluated: 2025-08-22. Review status: criteria provided, single submitter. Criteria: Invitae Variant Classification Sherloc (09022015). Collection method: clinical testing. Allele origin: germline.
Comment: This sequence change replaces aspartic acid, which is acidic and polar, with histidine, which is basic and polar, at codon 413 of the RECQL protein (p.Asp413His). This variant is present in population databases (rs556850507, gnomAD 0.04%). This variant has not been reported in the literature in individuals affected with RECQL-related conditions. ClinVar contains an entry for this variant (Variation ID: 1027189). Invitae Evidence Modeling of protein sequence and biophysical properties (such as structural, functional, and spatial information, amino acid conservation, physicochemical variation, residue mobility, and thermodynamic stability) indicates that this missense variant is not expected to disrupt RECQL protein function with a negative predictive value of 80%. In summary, the available evidence is currently insufficient to determine the role of this variant in disease. Therefore, it has been classified as a Variant of Uncertain Significance.

Ambry Genetics
Classification: Uncertain significance. Last evaluated: 2023-12-17. Review status: criteria provided, single submitter. Criteria: Ambry Variant Classification Scheme 2023. Collection method: clinical testing. Allele origin: germline.
Comment: The p.D413H variant (also known as c.1237G>C), located in coding exon 10 of the RECQL gene, results from a G to C substitution at nucleotide position 1237. The aspartic acid at codon 413 is replaced by histidine, an amino acid with similar properties. This amino acid position is highly conserved in available vertebrate species. In addition, this alteration is predicted to be deleterious by in silico analysis. Since supporting evidence is limited at this time, the clinical significance of this alteration remains unclear.